The following is an entry in ClinVar:

ClinVar aggregate classification (germline): Pathogenic (1 of 4 stars; one submission).

Conditions:
Long QT syndrome (LQTS). Identifiers: MedGen C0023976, MeSH D008133, MONDO:0002442. Disease mechanism: loss of function. Inheritance: Various modes of inheritance.

Submission:

Labcorp Genetics (formerly Invitae), Labcorp
Classification: Pathogenic for Long QT syndrome. Last evaluated: 2024-04-17. Review status: criteria provided, single submitter. Criteria: Invitae Variant Classification Sherloc (09022015). Collection method: clinical testing. Allele origin: germline.
Comment: This sequence change creates a premature translational stop signal (p.Ser3273Leufs*12) in the ANK2 gene. It is expected to result in an absent or disrupted protein product. Loss-of-function variants in ANK2 are known to be pathogenic (PMID: 37195288). This variant is not present in population databases (gnomAD no frequency). This variant has not been reported in the literature in individuals affected with ANK2-related conditions. ClinVar contains an entry for this variant (Variation ID: 2029441). For these reasons, this variant has been classified as Pathogenic.

Literature cited by the submitters: PubMed 37195288.

NM_001148.6(ANK2):c.9817del (p.Ser3273fs)

Gene: ANK2 (ankyrin 2; plus strand). Cytogenetic location: 4q26.
Variant type: Deletion.
Coding change: c.9817del on transcript NM_001148.6 (MANE Select); coding-DNA position 9817, one base deleted (T; older notation c.9817delT).
Protein change: p.Ser3273fs; shifts the reading frame from serine 3273.
Molecular consequence: frameshift variant. On other transcripts: intron variant (68).
Genome position (GRCh38, 1-based): chr4:113,358,435, T deleted; the last of 2 consecutive T bases (chr4:113,358,434-113,358,435); deleting either gives the same sequence. VCF-style (leftmost placement, unchanged base first): chr4-113358433-AT-A. GRCh37 (hg19) VCF-style: chr4-114279589-AT-A.
Other names: c.9583del, p.Ser3195fs (NM_001386142.1); c.6217del, p.Ser2073fs (NM_001386166.1); c.9958del, p.Ser3320fs (NM_001386174.1); c.9934del, p.Ser3312fs (NM_001386175.1); c.4412-2388del (NM_001386186.2, NM_001386148.2); c.4214-2388del (NM_001354269.3); c.4292-2388del (NM_001386187.2); c.4253-2388del (NM_001386147.1); and 35 more; short protein forms S3320fs, S3273fs, S2073fs, S3195fs, S3312fs.
Identifiers: ClinVar variation 2029441 (VCV002029441.4), dbSNP rs2505994536, ClinGen allele CA2580071386.